The following is an entry in ClinVar:

NM_003068.5(SNAI2):c.233G>A (p.Gly78Glu)

Gene: SNAI2 (snail family transcriptional repressor 2; minus strand). Cytogenetic location: 8q11.21.
Variant type: single nucleotide variant.
Coding change: c.233G>A on transcript NM_003068.5 (MANE Select); coding-DNA position 233, G replaced by A.
Protein change: p.Gly78Glu; replaces glycine 78 with glutamic acid.
Molecular consequence: missense variant.
Genome position (GRCh38, 1-based): chr8:48,920,288, C>T on the plus strand (G>A on the coding strand, the complement: SNAI2 is on the minus strand). VCF-style: chr8-48920288-C-T. GRCh37 (hg19) VCF-style: chr8-49832847-C-T.
Other names: short protein forms G78E.
Identifiers: ClinVar variation 4806563 (VCV004806563.1).

ClinVar aggregate classification (germline): Uncertain significance (1 of 4 stars; one submission).

gnomAD v4.1: 1 of 1,613,024 alleles (0.000062%); highest among the groups gnomAD compares: Non-Finnish European, 0.000085%; no homozygotes.

Submission:

Labcorp Genetics (formerly Invitae), Labcorp
Classification: Uncertain significance. Last evaluated: 2025-11-23. Review status: criteria provided, single submitter. Criteria: Invitae Variant Classification Sherloc (09022015). Collection method: clinical testing. Allele origin: germline.
Comment: This sequence change replaces glycine, which is neutral and non-polar, with glutamic acid, which is acidic and polar, at codon 78 of the SNAI2 protein (p.Gly78Glu). This variant is not present in population databases (gnomAD no frequency). This variant has not been reported in the literature in individuals affected with SNAI2-related conditions. An algorithm developed to predict the effect of missense changes on protein structure and function (PolyPhen-2) suggests that this variant is likely to be tolerated. In summary, the available evidence is currently insufficient to determine the role of this variant in disease. Therefore, it has been classified as a Variant of Uncertain Significance.